The following is an entry in ClinVar:

ClinVar aggregate classification (germline): Pathogenic (1 of 4 stars; one submission).

Submission:

Labcorp Genetics (formerly Invitae), Labcorp
Classification: Pathogenic. Last evaluated: 2025-12-15. Review status: criteria provided, single submitter. Criteria: Invitae Variant Classification Sherloc (09022015). Collection method: clinical testing. Allele origin: germline.
Comment: This sequence change creates a premature translational stop signal (p.Leu38Phefs*50) in the MCM3AP gene. It is expected to result in an absent or disrupted protein product. Loss-of-function variants in MCM3AP are known to be pathogenic (PMID: 28633435). This variant is present in population databases (rs780095179, gnomAD 0.0009%). This variant has not been reported in the literature in individuals affected with MCM3AP-related conditions. For these reasons, this variant has been classified as Pathogenic.

Literature cited by the submitters: PubMed 28633435.

NM_003906.5(MCM3AP):c.112_113del (p.Leu38fs)

Gene: MCM3AP (minichromosome maintenance complex component 3 associated protein; minus strand). Cytogenetic location: 21q22.3.
Variant type: Microsatellite.
Coding change: c.112_113del on transcript NM_003906.5 (MANE Select); coding-DNA positions 112 to 113, 2 bases deleted (CT; older notation c.112_113delCT).
Protein change: p.Leu38fs; shifts the reading frame from leucine 38.
Molecular consequence: frameshift variant.
Genome position (GRCh38, 1-based): chr21:46,285,174-46,285,175, AG deleted on the plus strand (CT on the coding strand, the reverse complement: MCM3AP is on the minus strand); deleting any 2 consecutive bases within chr21:46,285,174-46,285,178 gives the same sequence; the c. name uses the placement nearest the transcript's 3' end. VCF-style (leftmost placement, unchanged base first): chr21-46285173-AAG-A. GRCh37 (hg19) VCF-style: chr21-47705087-AAG-A.
Other names: short protein forms L38fs.
Identifiers: ClinVar variation 4754283 (VCV004754283.1).